The following is an entry in ClinVar:

ClinVar aggregate classification (germline): Benign/Likely benign. Review status: criteria provided, multiple submitters, no conflicts (2 of 4 stars). 10 submissions from 9 submitters: Benign (4); Likely benign (4). 2 of the submissions do not count toward it. Last evaluated 2026-09-01.

Conditions:
Inborn genetic diseases. Identifiers: MedGen C0950123, MeSH D030342.
Developmental and epileptic encephalopathy, 14 (DEE14). Also called: Early infantile epileptic encephalopathy 14. Identifiers: Orphanet 293181, MedGen C3554195, MONDO:0013989, OMIM 614959.
Autosomal dominant nocturnal frontal lobe epilepsy 5. Also called: Epilepsy, nocturnal frontal lobe, 5; KCNT1-Related Epilepsy; CILIARY DYSKINESIA, PRIMARY, 28, WITHOUT SITUS INVERSUS; CILIARY DYSKINESIA, PRIMARY, 28, WITH SITUS INVERSUS. Identifiers: Orphanet 98784, MedGen C3554306, MONDO:0014002, OMIM 615005.

Allele frequency attached by ClinVar (database versions not stated): TOPMed 0.00031; gnomAD 0.00034 and 0.00030; 1000 Genomes Project 0.00040; gnomAD exomes 0.00055 and 0.00057; ExAC 0.00278; ESP Exome Variant Server 0.00023; 1000 Genomes Project 30x 0.00031.
gnomAD v4.1: 861 of 1,556,888 alleles (0.055%); highest among the groups gnomAD compares: South Asian, 0.2%; 4 homozygotes.

Submissions (10):

CeGaT Center for Human Genetics Tuebingen
Classification: Likely benign. Last evaluated: 2026-09-01. Review status: criteria provided, single submitter. Criteria: CeGaT Center For Human Genetics Tuebingen Variant Classification Criteria Version 2. Collection method: clinical testing. Allele origin: germline. Affected: yes. Observed: 2 variant alleles.
Comment: KCNT1: BP4, BP7, BS1

Labcorp Genetics (formerly Invitae), Labcorp
Classification: Benign for Autosomal dominant nocturnal frontal lobe epilepsy 5; Developmental and epileptic encephalopathy, 14. Last evaluated: 2025-12-15. Review status: criteria provided, single submitter. Criteria: Invitae Variant Classification Sherloc (09022015). Collection method: clinical testing. Allele origin: germline.

Blueprint Genetics
Classification: Likely benign. Last evaluated: 2024-09-05. Review status: criteria provided, single submitter. Criteria: ACMG Guidelines, 2015. Collection method: clinical testing. Allele origin: germline.

Genome-Nilou Lab
Classification: Benign for Developmental and epileptic encephalopathy, 14. Last evaluated: 2022-03-15. Review status: criteria provided, single submitter. Criteria: ACMG Guidelines, 2015. Collection method: clinical testing. Allele origin: germline. Affected: no.

Genome-Nilou Lab
Classification: Benign for Autosomal dominant nocturnal frontal lobe epilepsy 5. Last evaluated: 2022-03-15. Review status: criteria provided, single submitter. Criteria: ACMG Guidelines, 2015. Collection method: clinical testing. Allele origin: germline. Affected: no.

GeneDx
Classification: Likely benign. Last evaluated: 2020-11-02. Review status: criteria provided, single submitter. Criteria: GeneDx Variant Classification Process June 2021. Collection method: clinical testing. Allele origin: germline. Affected: yes.

Athena Diagnostics
Classification: Benign. Last evaluated: 2018-03-19. Review status: criteria provided, single submitter. Criteria: Athena Diagnostics Criteria. Collection method: clinical testing. Allele origin: germline.

Ambry Genetics
Classification: Likely benign for Inborn genetic diseases. Last evaluated: 2017-10-12. Review status: criteria provided, single submitter. Criteria: Ambry Variant Classification Scheme 2023. Collection method: clinical testing. Allele origin: germline.

Clinical Genetics DNA and cytogenetics Diagnostics Lab, Erasmus MC, Erasmus Medical Center
Classification: Likely benign. Review status: no assertion criteria provided. Collection method: clinical testing. Allele origin: germline. Affected: yes. Study: VKGL Data-share Consensus. Not counted in ClinVar's aggregate classification.

Genome Diagnostics Laboratory, University Medical Center Utrecht
Classification: Likely benign. Review status: no assertion criteria provided. Collection method: clinical testing. Allele origin: germline. Affected: yes. Study: VKGL Data-share Consensus. Not counted in ClinVar's aggregate classification.

NM_020822.3(KCNT1):c.2166G>A (p.Leu722=)

Gene: KCNT1 (potassium sodium-activated channel subfamily T member 1; plus strand). Cytogenetic location: 9q34.3.
Variant type: single nucleotide variant.
Coding change: c.2166G>A on transcript NM_020822.3 (MANE Select); coding-DNA position 2166, G replaced by A.
Protein change: p.Leu722=; no amino-acid change (leucine 722 retained).
Molecular consequence: synonymous variant.
Genome position (GRCh38, 1-based): chr9:135,772,872, G>A. VCF-style: chr9-135772872-G-A. GRCh37 (hg19) VCF-style: chr9-138664718-G-A.
Other names: c.2031G>A, p.Leu677= (NM_001272003.2).
Identifiers: ClinVar variation 385228 (VCV000385228.27), dbSNP rs374347802, ClinGen allele CA5327198.